The following is an entry in ClinVar:

NM_000492.4(CFTR):c.3418A>G (p.Met1140Val)

Genes: CFTR (CF transmembrane conductance regulator; plus strand), CFTR-AS2 (CFTR antisense RNA 2; minus strand). Cytogenetic location: 7q31.2.
Variant type: single nucleotide variant.
Coding change: c.3418A>G on transcript NM_000492.4 (MANE Select); coding-DNA position 3418, A replaced by G.
Protein change: p.Met1140Val; replaces methionine 1140 with valine.
Molecular consequence: missense variant.
Genome position (GRCh38, 1-based): chr7:117,614,663, A>G. VCF-style: chr7-117614663-A-G. GRCh37 (hg19) VCF-style: chr7-117254717-A-G.
Other names: short protein forms M1140V.
Identifiers: ClinVar variation 1346082 (VCV001346082.8), dbSNP rs774415786, ClinGen allele CA4451457.

ClinVar aggregate classification (germline): Uncertain significance (1 of 4 stars; one submission).

Conditions:
Cystic fibrosis (CF). Also called: MUCOVISCIDOSIS. Identifiers: Orphanet 586, MedGen C0010674, MONDO:0009061, OMIM 219700. Disease mechanism: loss of function.

Allele frequency attached by ClinVar (database versions not stated): gnomAD exomes below 0.00001; ExAC 0.00001; gnomAD 0.00001.

Submission:

Labcorp Genetics (formerly Invitae), Labcorp
Classification: Uncertain significance for Cystic fibrosis. Last evaluated: 2021-04-16. Review status: criteria provided, single submitter. Criteria: Invitae Variant Classification Sherloc (09022015). Collection method: clinical testing. Allele origin: germline.
Comment: In summary, the available evidence is currently insufficient to determine the role of this variant in disease. Therefore, it has been classified as a Variant of Uncertain Significance. Algorithms developed to predict the effect of sequence changes on RNA splicing suggest that this variant may create or strengthen a splice site, but this prediction has not been confirmed by published transcriptional studies. Algorithms developed to predict the effect of missense changes on protein structure and function (SIFT, PolyPhen-2, Align-GVGD) all suggest that this variant is likely to be tolerated, but these predictions have not been confirmed by published functional studies and their clinical significance is uncertain. This variant has not been reported in the literature in individuals with CFTR-related conditions. This variant is present in population databases (rs774415786, ExAC 0.002%). This sequence change replaces methionine with valine at codon 1140 of the CFTR protein (p.Met1140Val). The methionine residue is moderately conserved and there is a small physicochemical difference between methionine and valine.